The following is an entry in ClinVar:

NM_000213.5(ITGB4):c.2207G>T (p.Cys736Phe)

Gene: ITGB4 (integrin subunit beta 4; plus strand). Cytogenetic location: 17q25.1.
Variant type: single nucleotide variant.
Coding change: c.2207G>T on transcript NM_000213.5 (MANE Select); coding-DNA position 2207, G replaced by T.
Protein change: p.Cys736Phe; replaces cysteine 736 with phenylalanine.
Molecular consequence: missense variant.
Genome position (GRCh38, 1-based): chr17:75,737,631, G>T. VCF-style: chr17-75737631-G-T. GRCh37 (hg19) VCF-style: chr17-73733712-G-T.
Other names: c.2207G>T, p.Cys736Phe (NM_001005619.2, NM_001005731.3, NM_001321123.2); short protein forms C736F.
Identifiers: ClinVar variation 325161 (VCV000325161.21), dbSNP rs143203816, ClinGen allele CA8769290.
Genomic context (GRCh38, chr17:75,737,631, plus strand): 5'-CCCTGCTCCTCCTCCTCCTGCCGCTCCTGGCCCTGCTACTGCTGCTATGCTGGAAGTACT[G>T]TGCCTGCTGCAAGGTGAGCACCCAGGGTGCCTCCCAAGGCCCCACATCCCAGGGTCCCCA-3'
Protein context (NP_000204.3, residues 726-746): ALLLLLCWKY[Cys736Phe]ACCKACLALL

ClinVar aggregate classification (germline): Benign/Likely benign. Review status: criteria provided, multiple submitters, no conflicts (2 of 4 stars). 5 submissions from 5 submitters: Benign (2); Likely benign (3). Last evaluated 2026-02-01.

Conditions:
Junctional epidermolysis bullosa with pyloric atresia. Also called: CARMI SYNDROME; EPIDERMOLYSIS BULLOSA, JUNCTIONAL 5B, WITH PYLORIC ATRESIA; APLASIA CUTIS CONGENITA WITH GASTROINTESTINAL ATRESIA; EB-PA-ACC; ITGB4-Related Epidermolysis Bullosa with Pyloric Atresia; Epidermolysis bullosa, junctional, with pyloric atresia and aplasia cutis congenita. Identifiers: Orphanet 79403, MedGen C5676875, MONDO:0009183, OMIM 226730.

Allele frequency attached by ClinVar (database versions not stated): ESP Exome Variant Server 0.00085; gnomAD 0.00370 and 0.00381; TOPMed 0.00600; 1000 Genomes Project 0.00619; 1000 Genomes Project 30x 0.00718.
gnomAD v4.1: 3,091 of 1,613,082 alleles (0.19%); highest among the groups gnomAD compares: Admixed American, 4.2%; 72 homozygotes.

Submissions (5):

Labcorp Genetics (formerly Invitae), Labcorp
Classification: Benign. Last evaluated: 2026-02-01. Review status: criteria provided, single submitter. Criteria: Invitae Variant Classification Sherloc (09022015). Collection method: clinical testing. Allele origin: germline.

Blueprint Genetics
Classification: Likely benign. Last evaluated: 2024-11-22. Review status: criteria provided, single submitter. Criteria: ACMG Guidelines, 2015. Collection method: clinical testing. Allele origin: germline.

GeneDx
Classification: Likely benign. Last evaluated: 2024-10-30. Review status: criteria provided, single submitter. Criteria: GeneDx Variant Classification Process June 2021. Collection method: clinical testing. Allele origin: germline. Affected: yes.
Comment: See Variant Classification Assertion Criteria.

Illumina Laboratory Services, Illumina
Classification: Benign for Junctional epidermolysis bullosa with pyloric atresia. Last evaluated: 2018-01-12. Review status: criteria provided, single submitter. Criteria: ICSL Variant Classification Criteria 13 December 2019. Collection method: clinical testing. Allele origin: germline.
Comment: This variant was observed in the ICSL laboratory as part of a predisposition screen in an ostensibly healthy population. It had not been previously curated by ICSL or reported in the Human Gene Mutation Database (HGMD: prior to June 1st, 2018), and was therefore a candidate for classification through an automated scoring system. Utilizing variant allele frequency, disease prevalence and penetrance estimates, and inheritance mode, an automated score was calculated to assess if this variant is too frequent to cause the disease. Based on the score and internal cut-off values, a variant classified as benign is not then subjected to further curation. The score for this variant resulted in a classification of benign for this disease.

Breakthrough Genomics
Classification: Likely benign. Review status: criteria provided, single submitter. Criteria: ACMG Guidelines, 2015. Collection method: not provided. Allele origin: germline. Inheritance: Autosomal recessive inheritance. Affected: yes.